The following is an entry in ClinVar:

ClinVar aggregate classification (germline): Uncertain significance (1 of 4 stars; one submission).

Allele frequency attached by ClinVar (database versions not stated): ExAC 0.00001; gnomAD exomes below 0.00001.

Submission:

Labcorp Genetics (formerly Invitae), Labcorp
Classification: Uncertain significance. Last evaluated: 2025-04-14. Review status: criteria provided, single submitter. Criteria: Invitae Variant Classification Sherloc (09022015). Collection method: clinical testing. Allele origin: germline.
Comment: This sequence change replaces valine, which is neutral and non-polar, with isoleucine, which is neutral and non-polar, at codon 559 of the DUOX2 protein (p.Val559Ile). This variant is present in population databases (rs745476904, gnomAD 0.006%). This variant has not been reported in the literature in individuals affected with DUOX2-related conditions. ClinVar contains an entry for this variant (Variation ID: 2857959). Invitae Evidence Modeling of protein sequence and biophysical properties (such as structural, functional, and spatial information, amino acid conservation, physicochemical variation, residue mobility, and thermodynamic stability) indicates that this missense variant is not expected to disrupt DUOX2 protein function with a negative predictive value of 80%. In summary, the available evidence is currently insufficient to determine the role of this variant in disease. Therefore, it has been classified as a Variant of Uncertain Significance.

NM_001363711.2(DUOX2):c.1675G>A (p.Val559Ile)

Gene: DUOX2 (dual oxidase 2; minus strand). Cytogenetic location: 15q21.1.
Variant type: single nucleotide variant.
Coding change: c.1675G>A on transcript NM_001363711.2 (MANE Select); coding-DNA position 1675, G replaced by A.
Protein change: p.Val559Ile; replaces valine 559 with isoleucine.
Molecular consequence: missense variant.
Genome position (GRCh38, 1-based): chr15:45,107,363, C>T on the plus strand (G>A on the coding strand, the complement: DUOX2 is on the minus strand). VCF-style: chr15-45107363-C-T. GRCh37 (hg19) VCF-style: chr15-45399561-C-T.
Other names: c.1675G>A, p.Val559Ile (NM_014080.5); short protein forms V559I.
Identifiers: ClinVar variation 2857959 (VCV002857959.3), dbSNP rs745476904, ClinGen allele CA7538534.